The following is an entry in ClinVar:

ClinVar aggregate classification (germline): Uncertain significance. Review status: criteria provided, multiple submitters, no conflicts (2 of 4 stars). 3 submissions from 3 submitters: Uncertain significance (3). Last evaluated 2025-09-12.

Conditions:
Spondyloepimetaphyseal dysplasia with joint laxity (SEMDJL). Identifiers: MedGen C0432243, MONDO:0019675.
Ehlers-Danlos syndrome, spondylodysplastic type, 2 (EDSSPD2). Also called: Ehlers-Danlos syndrome, progeroid type, 2. Identifiers: Orphanet 536467, Orphanet 75496, MedGen C3809210, MONDO:0014139, OMIM 615349.

gnomAD v4.1: 36 of 992,020 alleles (0.0036%); highest among the groups gnomAD compares: Non-Finnish European, 0.0043%; no homozygotes.

Submissions (3):

Women's Health and Genetics/Laboratory Corporation of America, LabCorp
Classification: Uncertain significance. Last evaluated: 2025-09-12. Review status: criteria provided, single submitter. Criteria: LabCorp Variant Classification Summary - May 2015. Collection method: clinical testing. Allele origin: germline.
Comment: Variant summary: B3GALT6 c.148C>A (p.Pro50Thr) results in a non-conservative amino acid change in the encoded protein sequence. Algorithms developed to predict the effect of missense changes on protein structure and function are either unavailable or do not agree on the potential impact of this missense change. The variant was absent in 24568 control chromosomes. The available data on variant occurrences in the general population are insufficient to allow any conclusion about variant significance. To our knowledge, no occurrence of c.148C>A in individuals affected with B3GALT6-related conditions and no experimental evidence demonstrating its impact on protein function have been reported. ClinVar contains an entry for this variant (Variation ID: 2058946). Based on the evidence outlined above, the variant was classified as uncertain significance.

CeGaT Center for Human Genetics Tuebingen
Classification: Uncertain significance. Last evaluated: 2025-08-01. Review status: criteria provided, single submitter. Criteria: CeGaT Center For Human Genetics Tuebingen Variant Classification Criteria Version 2. Collection method: clinical testing. Allele origin: germline. Affected: yes. Observed: 1 variant allele.
Comment: B3GALT6: PM2

Labcorp Genetics (formerly Invitae), Labcorp
Classification: Uncertain significance for Ehlers-Danlos syndrome, spondylodysplastic type, 2; Spondyloepimetaphyseal dysplasia with joint laxity. Last evaluated: 2022-06-29. Review status: criteria provided, single submitter. Criteria: Invitae Variant Classification Sherloc (09022015). Collection method: clinical testing. Allele origin: germline.
Comment: This sequence change replaces proline, which is neutral and non-polar, with threonine, which is neutral and polar, at codon 50 of the B3GALT6 protein (p.Pro50Thr). This variant is present in population databases (no rsID available, gnomAD 0.007%). This variant has not been reported in the literature in individuals affected with B3GALT6-related conditions. Algorithms developed to predict the effect of missense changes on protein structure and function are either unavailable or do not agree on the potential impact of this missense change (SIFT: "Tolerated"; PolyPhen-2: "Possibly Damaging"; Align-GVGD: "Class C0"). In summary, the available evidence is currently insufficient to determine the role of this variant in disease. Therefore, it has been classified as a Variant of Uncertain Significance.

NM_080605.4(B3GALT6):c.148C>A (p.Pro50Thr)

Gene: B3GALT6 (beta-1,3-galactosyltransferase 6; plus strand). Cytogenetic location: 1p36.33.
Variant type: single nucleotide variant.
Coding change: c.148C>A on transcript NM_080605.4 (MANE Select); coding-DNA position 148, C replaced by A.
Protein change: p.Pro50Thr; replaces proline 50 with threonine.
Molecular consequence: missense variant.
Genome position (GRCh38, 1-based): chr1:1,232,426, C>A. VCF-style: chr1-1232426-C-A. GRCh37 (hg19) VCF-style: chr1-1167806-C-A.
Other names: short protein forms P50T.
Identifiers: ClinVar variation 2058946 (VCV002058946.9), dbSNP rs1249919137, ClinGen allele CA337822863.